The following is an entry in ClinVar:

NM_178844.4(NLRC3):c.1408G>A (p.Ala470Thr)

Gene: NLRC3 (NLR family CARD domain containing 3; minus strand). Cytogenetic location: 16p13.3.
Variant type: single nucleotide variant.
Coding change: c.1408G>A on transcript NM_178844.4 (MANE Select); coding-DNA position 1408, G replaced by A.
Protein change: p.Ala470Thr; replaces alanine 470 with threonine.
Molecular consequence: missense variant. On other transcripts: non-coding transcript variant (1).
Genome position (GRCh38, 1-based): chr16:3,563,529, C>T on the plus strand (G>A on the coding strand, the complement: NLRC3 is on the minus strand). VCF-style: chr16-3563529-C-T. GRCh37 (hg19) VCF-style: chr16-3613530-C-T.
Other names: short protein forms A470T.
Identifiers: ClinVar variation 103354 (VCV000103354.2), dbSNP rs199475936, ClinGen allele CA230461.
Genomic context (GRCh38, chr16:3,563,529, plus strand): 5'-CCAGCCTGGGCCAGGATACGCCGCTCTCAGTGAAGAGGTCGAAGATGGCCCTCCTGGATG[C>T]GCCATAGTAATACGCGGCTGCCACAAACTCCTGCAGGGACAGGTGGGTGAAGCAGTAGGC-3'
Protein context (NP_849172.2, residues 460-480): EFVAAAYYYG[Ala470Thr]SRRAIFDLFT

ClinVar aggregate classification (germline): not provided (0 of 4 stars; one submission).

Allele frequency attached by ClinVar (database versions not stated): gnomAD 0.00003; TOPMed 0.00005.
gnomAD v4.1: 28 of 1,606,986 alleles (0.0017%); highest among the groups gnomAD compares: Middle Eastern, 0.017%; no homozygotes.

Submission:

Human Evolutionary Genetics, Institut Pasteur
No classification provided. Review status: no classification provided. Collection method: not provided. Allele origin: germline.
ClinVar note: Converted during submission from untested to not provided.